The following is an entry in ClinVar:

ClinVar aggregate classification (germline): Uncertain significance. Review status: criteria provided, multiple submitters, no conflicts (2 of 4 stars). 2 submissions from 2 submitters: Uncertain significance (2). Last evaluated 2025-09-10.

Conditions:
Inborn genetic diseases. Identifiers: MedGen C0950123, MeSH D030342.

Allele frequency attached by ClinVar (database versions not stated): ExAC 0.00001; gnomAD exomes 0.00001; ESP Exome Variant Server 0.00008.

Submissions (2):

Ambry Genetics
Classification: Uncertain significance for Inborn genetic diseases. Last evaluated: 2025-09-10. Review status: criteria provided, single submitter. Criteria: Ambry Variant Classification Scheme 2023. Collection method: clinical testing. Allele origin: germline.

Labcorp Genetics (formerly Invitae), Labcorp
Classification: Uncertain significance. Last evaluated: 2024-12-31. Review status: criteria provided, single submitter. Criteria: Invitae Variant Classification Sherloc (09022015). Collection method: clinical testing. Allele origin: germline.
Comment: This sequence change replaces alanine, which is neutral and non-polar, with threonine, which is neutral and polar, at codon 220 of the RIPK1 protein (p.Ala220Thr). This variant is present in population databases (rs374972263, gnomAD 0.007%). This variant has not been reported in the literature in individuals affected with RIPK1-related conditions. ClinVar contains an entry for this variant (Variation ID: 1492270). An algorithm developed to predict the effect of missense changes on protein structure and function (PolyPhen-2) suggests that this variant is likely to be tolerated. In summary, the available evidence is currently insufficient to determine the role of this variant in disease. Therefore, it has been classified as a Variant of Uncertain Significance.

NM_001354930.2(RIPK1):c.658G>A (p.Ala220Thr)

Gene: RIPK1 (receptor interacting serine/threonine kinase 1; plus strand). Cytogenetic location: 6p25.2.
Variant type: single nucleotide variant.
Coding change: c.658G>A on transcript NM_001354930.2 (MANE Select); coding-DNA position 658, G replaced by A.
Protein change: p.Ala220Thr; replaces alanine 220 with threonine.
Molecular consequence: missense variant.
Genome position (GRCh38, 1-based): chr6:3,083,283, G>A. VCF-style: chr6-3083283-G-A. GRCh37 (hg19) VCF-style: chr6-3083517-G-A.
Other names: c.169G>A, p.Ala57Thr (NM_001317061.3, NM_001354932.2, NM_001354933.2 and 1 more transcripts); c.520G>A, p.Ala174Thr (NM_001354931.2); c.658G>A, p.Ala220Thr (NM_003804.6); c.658G>A (NM_003804.3); short protein forms A220T, A174T, A57T.
Identifiers: ClinVar variation 1492270 (VCV001492270.7), dbSNP rs374972263, ClinGen allele CA3618248.